The following is an entry in ClinVar:

NM_001127453.2(GSDME):c.688G>A (p.Gly230Ser)

Gene: GSDME (gasdermin E; minus strand). Cytogenetic location: 7p15.3.
Variant type: single nucleotide variant.
Coding change: c.688G>A on transcript NM_001127453.2 (MANE Select); coding-DNA position 688, G replaced by A.
Protein change: p.Gly230Ser; replaces glycine 230 with serine.
Molecular consequence: missense variant.
Genome position (GRCh38, 1-based): chr7:24,717,263, C>T on the plus strand (G>A on the coding strand, the complement: GSDME is on the minus strand). VCF-style: chr7-24717263-C-T. GRCh37 (hg19) VCF-style: chr7-24756882-C-T.
Other names: c.688G>A (NM_004403.2); c.196G>A, p.Gly66Ser (NM_001127454.2); c.688G>A, p.Gly230Ser (NM_004403.3); short protein forms G230S, G66S.
Identifiers: ClinVar variation 3712516 (VCV003712516.4).

ClinVar aggregate classification (germline): Uncertain significance. Review status: criteria provided, multiple submitters, no conflicts (2 of 4 stars). 3 submissions from 3 submitters: Uncertain significance (3). Last evaluated 2026-04-11.

Conditions:
GSDME-related disorder. Also called: GSDME-related condition.

gnomAD v4.1: 18 of 1,612,724 alleles (0.0011%); highest among the groups gnomAD compares: Middle Eastern, 0.017%; no homozygotes.

Submissions (3):

PreventionGenetics, part of Exact Sciences
Classification: Uncertain significance for GSDME-related condition. Last evaluated: 2026-04-11. Review status: criteria provided, single submitter. Criteria: ACMG Guidelines, 2015. Collection method: clinical testing. Allele origin: germline.
Comment: The GSDME c.688G>A variant is predicted to result in the amino acid substitution p.Gly230Ser. To our knowledge, this variant has not been reported in the literature. This variant is reported in 0.0054% of alleles in individuals of East Asian descent in gnomAD. At this time, the clinical significance of this variant is uncertain due to the absence of conclusive functional and genetic evidence.

Labcorp Genetics (formerly Invitae), Labcorp
Classification: Uncertain significance. Last evaluated: 2024-03-10. Review status: criteria provided, single submitter. Criteria: Invitae Variant Classification Sherloc (09022015). Collection method: clinical testing. Allele origin: germline.
Comment: This sequence change replaces glycine, which is neutral and non-polar, with serine, which is neutral and polar, at codon 230 of the DFNA5 protein (p.Gly230Ser). This variant is present in population databases (no rsID available, gnomAD 0.003%). This variant has not been reported in the literature in individuals affected with DFNA5-related conditions. Advanced modeling of protein sequence and biophysical properties (such as structural, functional, and spatial information, amino acid conservation, physicochemical variation, residue mobility, and thermodynamic stability) performed at Invitae indicates that this missense variant is expected to disrupt DFNA5 protein function with a positive predictive value of 80%. In summary, the available evidence is currently insufficient to determine the role of this variant in disease. Therefore, it has been classified as a Variant of Uncertain Significance.

Blueprint Genetics
Classification: Uncertain significance. Last evaluated: 2022-03-10. Review status: criteria provided, single submitter. Criteria: ACMG Guidelines, 2015. Collection method: clinical testing. Allele origin: germline.